The following is an entry in ClinVar:

ClinVar aggregate classification (germline): Uncertain significance (1 of 4 stars; one submission).

Submission:

Dasa
Classification: Uncertain significance. Last evaluated: 2026-04-26. Review status: criteria provided, single submitter. Criteria: DASA Assertion Criteria. Collection method: clinical testing. Allele origin: germline.
Comment: NM_001042681.2(RERE):c.103T>G (p.Ser35Ala) is a missense variant that results in the substitution of serine with alanine. This variant is rare in population databases. Computational prediction algorithms are consistent with a benign effect. The currently available literature and clinical evidence are not sufficient to establish a definitive association between this variant and the reported condition. Therefore, this variant is classified as a variant of uncertain significance.

NM_001042681.2(RERE):c.103T>G (p.Ser35Ala)

Gene: RERE (arginine-glutamic acid dipeptide repeats; minus strand). Cytogenetic location: 1p36.23.
Variant type: single nucleotide variant.
Coding change: c.103T>G on transcript NM_001042681.2 (MANE Select); coding-DNA position 103, T replaced by G.
Protein change: p.Ser35Ala; replaces serine 35 with alanine.
Molecular consequence: missense variant.
Genome position (GRCh38, 1-based): chr1:8,656,195, A>C on the plus strand (T>G on the coding strand, the complement: RERE is on the minus strand). VCF-style: chr1-8656195-A-C. GRCh37 (hg19) VCF-style: chr1-8716254-A-C.
Other names: c.103T>G, p.Ser35Ala (NM_012102.4); short protein forms S35A.
Identifiers: ClinVar variation 4885203 (VCV004885203.2).